The following is an entry in ClinVar:

ClinVar aggregate classification (germline): Uncertain significance (1 of 4 stars; one submission).

Conditions:
Primary familial hypertrophic cardiomyopathy (HCM). Identifiers: Orphanet 99739, MedGen C0949658, MeSH D024741, MONDO:0024573. Inheritance: Various modes of inheritance.
Dilated cardiomyopathy 1AA (CMD1AA). Also called: CARDIOMYOPATHY, DILATED, 1AA, WITH OR WITHOUT LEFT VENTRICULAR NONCOMPACTION; CARDIOMYOPATHY, FAMILIAL HYPERTROPHIC, 23, WITH OR WITHOUT LEFT VENTRICULAR NONCOMPACTION; Cardiomyopathy, dilated, 1AA, with or without LVNC. Identifiers: Orphanet 154, MedGen C2677338, MONDO:0012808, OMIM 612158.

Submission:

Labcorp Genetics (formerly Invitae), Labcorp
Classification: Uncertain significance for Primary familial hypertrophic cardiomyopathy; Dilated cardiomyopathy 1AA. Last evaluated: 2023-04-29. Review status: criteria provided, single submitter. Criteria: Invitae Variant Classification Sherloc (09022015). Collection method: clinical testing. Allele origin: germline.
Comment: Advanced modeling of protein sequence and biophysical properties (such as structural, functional, and spatial information, amino acid conservation, physicochemical variation, residue mobility, and thermodynamic stability) performed at Invitae indicates that this missense variant is not expected to disrupt ACTN2 protein function. In summary, the available evidence is currently insufficient to determine the role of this variant in disease. Therefore, it has been classified as a Variant of Uncertain Significance. This variant has not been reported in the literature in individuals affected with ACTN2-related conditions. This variant is not present in population databases (gnomAD no frequency). This sequence change replaces glutamine, which is neutral and polar, with histidine, which is basic and polar, at codon 741 of the ACTN2 protein (p.Gln741His).

NM_001103.4(ACTN2):c.2223G>C (p.Gln741His)

Gene: ACTN2 (actinin alpha 2; plus strand). Cytogenetic location: 1q43.
Variant type: single nucleotide variant.
Coding change: c.2223G>C on transcript NM_001103.4 (MANE Select); coding-DNA position 2223, G replaced by C.
Protein change: p.Gln741His; replaces glutamine 741 with histidine.
Molecular consequence: missense variant. On other transcripts: non-coding transcript variant (1).
Genome position (GRCh38, 1-based): chr1:236,757,554, G>C. VCF-style: chr1-236757554-G-C. GRCh37 (hg19) VCF-style: chr1-236920854-G-C.
Other names: c.2223G>C, p.Gln741His (NM_001278343.2); c.1599G>C, p.Gln533His (NM_001278344.2); c.1473G>C, p.Gln491His (NM_001412150.1); short protein forms Q741H, Q491H, Q533H.
Identifiers: ClinVar variation 2947295 (VCV002947295.3), dbSNP rs1659585887, ClinGen allele CA345388897.